The following is an entry in ClinVar:

ClinVar aggregate classification (germline): Uncertain significance (1 of 4 stars; one submission).

Submission:

GeneDx
Classification: Uncertain significance. Last evaluated: 2024-06-24. Review status: criteria provided, single submitter. Criteria: GeneDx Variant Classification Process June 2021. Collection method: clinical testing. Allele origin: germline. Affected: yes.
Comment: Not observed at significant frequency in large population cohorts (gnomAD); In silico analysis indicates that this missense variant does not alter protein structure/function; Has not been previously published as pathogenic or benign to our knowledge

NM_003482.4(KMT2D):c.14594C>T (p.Pro4865Leu)

Gene: KMT2D (lysine methyltransferase 2D; minus strand). Cytogenetic location: 12q13.12.
Variant type: single nucleotide variant.
Coding change: c.14594C>T on transcript NM_003482.4 (MANE Select); coding-DNA position 14594, C replaced by T.
Protein change: p.Pro4865Leu; replaces proline 4865 with leucine.
Molecular consequence: missense variant.
Genome position (GRCh38, 1-based): chr12:49,027,852, G>A on the plus strand (C>T on the coding strand, the complement: KMT2D is on the minus strand). VCF-style: chr12-49027852-G-A. GRCh37 (hg19) VCF-style: chr12-49421635-G-A.
Other names: short protein forms P4865L.
Identifiers: ClinVar variation 3392773 (VCV003392773.1).
Genomic context (GRCh38, chr12:49,027,852, plus strand): 5'-CCCAGACCTACCTGTTTCAGGAGGCTCAAGATGTCTAGTTGGCTCTTCAGGGTATAGCCA[G>A]GCAACACTGCATCAAACTGCTTCAGCCAATCAGGGCCAGTGTCTGGGCTCTTGCCTTCCA-3'
Protein context (NP_003473.3, residues 4855-4875): DWLKQFDAVL[Pro4865Leu]GYTLKSQLDI